The following is an entry in ClinVar:

ClinVar aggregate classification (germline): Uncertain significance. Review status: criteria provided, multiple submitters, no conflicts (2 of 4 stars). 2 submissions from 2 submitters: Uncertain significance (2). Last evaluated 2026-04-13.

Allele frequency attached by ClinVar (database versions not stated): TOPMed 0.00002; gnomAD exomes below 0.00001; gnomAD 0.00001.
gnomAD v4.1: 5 of 1,555,746 alleles (0.00032%); highest among the groups gnomAD compares: South Asian, 0.0012%; no homozygotes.

Submissions (2):

Dasa
Classification: Uncertain significance. Last evaluated: 2026-04-13. Review status: criteria provided, single submitter. Criteria: DASA Assertion Criteria. Collection method: clinical testing. Allele origin: germline.
Comment: NM_003482.4(KMT2D):c.5899G>A (p.Gly1967Ser) is a missense variant that results in the substitution of glycine with serine. This variant is rare in population databases. The currently available literature and clinical evidence are not sufficient to establish a definitive association between this variant and the reported condition. Therefore, this variant is classified as a variant of uncertain significance.

Eurofins Ntd Llc (ga)
Classification: Uncertain significance. Last evaluated: 2015-11-17. Review status: criteria provided, single submitter. Criteria: EGL Classification Definitions 2015. Collection method: clinical testing. Allele origin: germline. Observed: 1 variant allele, 1 heterozygote.

NM_003482.4(KMT2D):c.5899G>A (p.Gly1967Ser)

Gene: KMT2D (lysine methyltransferase 2D; minus strand). Cytogenetic location: 12q13.12.
Variant type: single nucleotide variant.
Coding change: c.5899G>A on transcript NM_003482.4 (MANE Select); coding-DNA position 5899, G replaced by A.
Protein change: p.Gly1967Ser; replaces glycine 1967 with serine.
Molecular consequence: missense variant.
Genome position (GRCh38, 1-based): chr12:49,042,299, C>T on the plus strand (G>A on the coding strand, the complement: KMT2D is on the minus strand). VCF-style: chr12-49042299-C-T. GRCh37 (hg19) VCF-style: chr12-49436082-C-T.
Other names: short protein forms G1967S.
Identifiers: ClinVar variation 284526 (VCV000284526.7), dbSNP rs886042896, ClinGen allele CA10604829.